The following is an entry in ClinVar:

ClinVar aggregate classification (germline): Uncertain significance. Review status: criteria provided, multiple submitters, no conflicts (2 of 4 stars). 3 submissions from 3 submitters: Uncertain significance (2). 1 of the submissions does not count toward it. Last evaluated 2025-12-14.

Conditions:
Fanconi anemia (FA). Also called: Fanconi's anemia. Identifiers: Orphanet 84, MedGen C0015625, MeSH D005199, MONDO:0019391.
Inborn genetic diseases. Identifiers: MedGen C0950123, MeSH D030342.

gnomAD v4.1: 14 of 1,613,478 alleles (0.00087%); highest among the groups gnomAD compares: South Asian, 0.0044%; no homozygotes.

Submissions (3):

Labcorp Genetics (formerly Invitae), Labcorp
Classification: Uncertain significance for Fanconi anemia. Last evaluated: 2025-12-14. Review status: criteria provided, single submitter. Criteria: Invitae Variant Classification Sherloc (09022015). Collection method: clinical testing. Allele origin: germline.
Comment: This sequence change replaces glutamine, which is neutral and polar, with glutamic acid, which is acidic and polar, at codon 1440 of the FANCA protein (p.Gln1440Glu). This variant is present in population databases (rs767234774, gnomAD 0.003%). This variant has not been reported in the literature in individuals affected with FANCA-related conditions. ClinVar contains an entry for this variant (Variation ID: 3848277). Invitae Evidence Modeling of protein sequence and biophysical properties (such as structural, functional, and spatial information, amino acid conservation, physicochemical variation, residue mobility, and thermodynamic stability) indicates that this missense variant is not expected to disrupt FANCA protein function with a negative predictive value of 95%. In summary, the available evidence is currently insufficient to determine the role of this variant in disease. Therefore, it has been classified as a Variant of Uncertain Significance.

Ambry Genetics
Classification: Uncertain significance for Inborn genetic diseases. Last evaluated: 2025-03-02. Review status: criteria provided, single submitter. Criteria: Ambry Variant Classification Scheme 2023. Collection method: clinical testing. Allele origin: germline.
Comment: The p.Q1440E variant (also known as c.4318C>G), located in coding exon 43 of the FANCA gene, results from a C to G substitution at nucleotide position 4318. The glutamine at codon 1440 is replaced by glutamic acid, an amino acid with highly similar properties. This amino acid position is conserved. In addition, this alteration is predicted to be tolerated by in silico analysis. Based on the available evidence, the clinical significance of this variant remains unclear.

Natera, Inc.
Classification: Uncertain significance for Fanconi anemia. Last evaluated: 2025-03-31. Review status: no assertion criteria provided. Collection method: clinical testing. Allele origin: germline. Not counted in ClinVar's aggregate classification.

NM_000135.4(FANCA):c.4318C>G (p.Gln1440Glu)

Genes: FANCA (FA complementation group A; minus strand), ZNF276 (zinc finger protein 276; plus strand). Cytogenetic location: 16q24.3.
Variant type: single nucleotide variant.
Coding change: c.4318C>G on transcript NM_000135.4 (MANE Select); coding-DNA position 4318, C replaced by G.
Protein change: p.Gln1440Glu; replaces glutamine 1440 with glutamic acid.
Molecular consequence: missense variant. On other transcripts: 3 prime UTR variant (3), non-coding transcript variant (4).
Genome position (GRCh38, 1-based): chr16:89,738,651, G>C on the plus strand (C>G on the coding strand, the complement: FANCA is on the minus strand). VCF-style: chr16-89738651-G-C. GRCh37 (hg19) VCF-style: chr16-89805059-G-C.
Other names: c.4318C>G (NM_000135.3); c.*47C>G (NM_001286167.3); c.*405G>C (NM_001113525.2, NM_152287.4); short protein forms Q1440E.
Identifiers: ClinVar variation 3848277 (VCV003848277.3).